The following is an entry in ClinVar:

NM_001379500.1(COL18A1):c.420A>G (p.Thr140=)

Gene: COL18A1 (collagen type XVIII alpha 1 chain; plus strand). Cytogenetic location: 21q22.3.
Variant type: single nucleotide variant.
Coding change: c.420A>G on transcript NM_001379500.1 (MANE Select); coding-DNA position 420, A replaced by G.
Protein change: p.Thr140=; no amino-acid change (threonine 140 retained).
Molecular consequence: synonymous variant.
Genome position (GRCh38, 1-based): chr21:45,468,555, A>G. VCF-style: chr21-45468555-A-G. GRCh37 (hg19) VCF-style: chr21-46888469-A-G.
Other names: NM_130445.2:c.420A>G; NM_130445.3:c.420A>G; c.960A>G, p.Thr320= (NM_030582.4); c.1665A>G, p.Thr555= (NM_130444.3).
Identifiers: ClinVar variation 340193 (VCV000340193.18), dbSNP rs17004775, ClinGen allele CA10065745.

ClinVar aggregate classification (germline): Benign. Review status: criteria provided, multiple submitters, no conflicts (2 of 4 stars). 4 submissions from 4 submitters: Benign (4). Last evaluated 2026-02-03.

Conditions:
Knobloch syndrome (KNO). Also called: RETINAL DETACHMENT AND OCCIPITAL ENCEPHALOCELE; Myopia retinal detachment encephalocele. Identifiers: Orphanet 1571, MedGen C1849409, MONDO:0800166.

Allele frequency attached by ClinVar (database versions not stated): gnomAD exomes 0.00772 and 0.00294; ExAC 0.00961; gnomAD 0.02948 and 0.03170; 1000 Genomes Project 0.03075; ESP Exome Variant Server 0.03159; 1000 Genomes Project 30x 0.03295; TOPMed 0.03314.
gnomAD v4.1: 9,043 of 1,613,526 alleles (0.56%); highest among the groups gnomAD compares: African/African-American, 10%; 431 homozygotes.

Submissions (4):

Labcorp Genetics (formerly Invitae), Labcorp
Classification: Benign. Last evaluated: 2026-02-03. Review status: criteria provided, single submitter. Criteria: Invitae Variant Classification Sherloc (09022015). Collection method: clinical testing. Allele origin: germline.

GeneDx
Classification: Benign. Last evaluated: 2021-05-05. Review status: criteria provided, single submitter. Criteria: GeneDx Variant Classification Process June 2021. Collection method: clinical testing. Allele origin: germline. Affected: yes.

Illumina Laboratory Services, Illumina
Classification: Benign for Knobloch syndrome 1. Last evaluated: 2018-01-13. Review status: criteria provided, single submitter. Criteria: ICSL Variant Classification Criteria 13 December 2019. Collection method: clinical testing. Allele origin: germline.
Comment: This variant was observed in the ICSL laboratory as part of a predisposition screen in an ostensibly healthy population. It had not been previously curated by ICSL or reported in the Human Gene Mutation Database (HGMD: prior to June 1st, 2018), and was therefore a candidate for classification through an automated scoring system. Utilizing variant allele frequency, disease prevalence and penetrance estimates, and inheritance mode, an automated score was calculated to assess if this variant is too frequent to cause the disease. Based on the score and internal cut-off values, a variant classified as benign is not then subjected to further curation. The score for this variant resulted in a classification of benign for this disease.

Breakthrough Genomics
Classification: Benign. Review status: criteria provided, single submitter. Criteria: ACMG Guidelines, 2015. Collection method: not provided. Allele origin: germline. Inheritance: Autosomal recessive inheritance. Affected: yes.